The following is an entry in ClinVar:

NM_002317.7(LOX):c.94C>T (p.Pro32Ser)

Genes: LOX (lysyl oxidase; minus strand), SRFBP1 (serum response factor binding protein 1; plus strand). Cytogenetic location: 5q23.1.
Variant type: single nucleotide variant.
Coding change: c.94C>T on transcript NM_002317.7 (MANE Select); coding-DNA position 94, C replaced by T.
Protein change: p.Pro32Ser; replaces proline 32 with serine.
Molecular consequence: missense variant.
Genome position (GRCh38, 1-based): chr5:122,077,892, G>A on the plus strand (C>T on the coding strand, the complement: LOX is on the minus strand). VCF-style: chr5-122077892-G-A. GRCh37 (hg19) VCF-style: chr5-121413587-G-A.
Other names: short protein forms P32S.
Identifiers: ClinVar variation 5023632 (VCV005023632.1).

ClinVar aggregate classification (germline): Uncertain significance (1 of 4 stars; one submission).

Conditions:
Cardiovascular phenotype. Identifiers: MedGen CN230736.

gnomAD v4.1: 4 of 1,529,368 alleles (0.00026%); highest among the groups gnomAD compares: East Asian, 0.0076%; no homozygotes.

Submission:

Ambry Genetics
Classification: Uncertain significance for Cardiovascular phenotype. Last evaluated: 2026-07-31. Review status: criteria provided, single submitter. Criteria: Ambry Variant Classification Scheme 2023. Collection method: clinical testing. Allele origin: germline.
Comment: The p.P32S variant (also known as c.94C>T), located in coding exon 1 of the LOX gene, results from a C to T substitution at nucleotide position 94. The proline at codon 32 is replaced by serine, an amino acid with similar properties. This amino acid position is conserved. In addition, this alteration is predicted to be tolerated by in silico analysis. Based on the available evidence, the clinical significance of this variant remains unclear.